The following is an entry in ClinVar:

NM_172364.5(CACNA2D4):c.2591A>T (p.Lys864Ile)

Gene: CACNA2D4 (calcium voltage-gated channel auxiliary subunit alpha2delta 4; minus strand). Cytogenetic location: 12p13.33.
Variant type: single nucleotide variant.
Coding change: c.2591A>T on transcript NM_172364.5 (MANE Select); coding-DNA position 2591, A replaced by T.
Protein change: p.Lys864Ile; replaces lysine 864 with isoleucine.
Molecular consequence: missense variant.
Genome position (GRCh38, 1-based): chr12:1,811,684, T>A on the plus strand (A>T on the coding strand, the complement: CACNA2D4 is on the minus strand). VCF-style: chr12-1811684-T-A. GRCh37 (hg19) VCF-style: chr12-1920850-T-A.
Other names: short protein forms K864I.
Identifiers: ClinVar variation 1471736 (VCV001471736.8), dbSNP rs2154445859, ClinGen allele CA383350369.
Genomic context (GRCh38, chr12:1,811,684, plus strand): 5'-GAGTCCCCAGCCCCGACCTGGCCCGACATCACACCTACCTGCCGCGTTGCCGCCCAGAAT[T>A]TGCGCTGGAGGAATTCCAGCTTCATTTGGACGCCCGCGGCTACAGGGCAGAAAGAGAGAG-3'
Protein context (NP_758952.4, residues 854-874): VQMKLEFLQR[Lys864Ile]FWAATRQCST

ClinVar aggregate classification (germline): Uncertain significance (1 of 4 stars; one submission).

Submission:

Labcorp Genetics (formerly Invitae), Labcorp
Classification: Uncertain significance. Last evaluated: 2025-12-18. Review status: criteria provided, single submitter. Criteria: Invitae Variant Classification Sherloc (09022015). Collection method: clinical testing. Allele origin: germline.
Comment: This sequence change replaces lysine, which is basic and polar, with isoleucine, which is neutral and non-polar, at codon 864 of the CACNA2D4 protein (p.Lys864Ile). This variant is not present in population databases (gnomAD no frequency). This variant has not been reported in the literature in individuals affected with CACNA2D4-related conditions. ClinVar contains an entry for this variant (Variation ID: 1471736). An algorithm developed to predict the effect of missense changes on protein structure and function (PolyPhen-2) suggests that this variant is likely to be tolerated. In summary, the available evidence is currently insufficient to determine the role of this variant in disease. Therefore, it has been classified as a Variant of Uncertain Significance.